The following is an entry in ClinVar:

NM_172107.4(KCNQ2):c.1065C>T (p.Asp355=)

Gene: KCNQ2 (potassium voltage-gated channel subfamily Q member 2; minus strand). Cytogenetic location: 20q13.33.
Variant type: single nucleotide variant.
Coding change: c.1065C>T on transcript NM_172107.4 (MANE Select); coding-DNA position 1065, C replaced by T.
Protein change: p.Asp355=; no amino-acid change (aspartic acid 355 retained).
Molecular consequence: synonymous variant.
Genome position (GRCh38, 1-based): chr20:63,433,862, G>A on the plus strand (C>T on the coding strand, the complement: KCNQ2 is on the minus strand). VCF-style: chr20-63433862-G-A. GRCh37 (hg19) VCF-style: chr20-62065215-G-A.
Other names: p.D355D:GAC>GAT; c.1065C>T, p.Asp355= (NM_004518.6, NM_172106.3, NM_172108.5 and 1 more transcripts); c.1065C>T (NM_172107.3).
Identifiers: ClinVar variation 205833 (VCV000205833.45), dbSNP rs200395340, ClinGen allele CA315292.
Genomic context (GRCh38, chr20:63,433,862, plus strand): 5'-GCGGTACCTGTACATGGGCACGGTGACCGTTCGCTCGTAGTACTGCCACGTGGAGTGCAG[G>A]TCTGTGCGCGAGAGGTTGGTGGCGTAGAATCTCCAGGCCGACTGCGGAGGGAAAGACAAG-3'
Protein context (NP_742105.1, residues 345-365): RFYATNLSRT[Asp355=]LHSTWQYYER

ClinVar aggregate classification (germline): Benign/Likely benign. Review status: criteria provided, multiple submitters, no conflicts (2 of 4 stars). 6 submissions from 6 submitters: Benign (3); Likely benign (2). 1 of the submissions does not count toward it. Last evaluated 2026-08-01.

Conditions:
Early-infantile DEE. Also called: Ohtahara syndrome; Early infantile epileptic encephalopathy with suppression bursts; Early infantile epileptic encephalopathy. Identifiers: Orphanet 1934, MedGen C0393706, MONDO:0800491.
Inborn genetic diseases. Identifiers: MedGen C0950123, MeSH D030342.
KCNQ2-Related Disorders. Also called: KCNQ2-related condition; KCNQ2-related disorder. Identifiers: MedGen CN169299.

Allele frequency attached by ClinVar (database versions not stated): TOPMed 0.00014; 1000 Genomes Project 30x 0.00062; gnomAD exomes 0.00064 and 0.00155; 1000 Genomes Project 0.00080; gnomAD 0.00102 and 0.00105; ExAC 0.00142.
gnomAD v4.1: 1,100 of 1,613,944 alleles (0.068%); highest among the groups gnomAD compares: East Asian, 0.027%; 5 homozygotes.

Submissions (6):

CeGaT Center for Human Genetics Tuebingen
Classification: Likely benign. Last evaluated: 2026-08-01. Review status: criteria provided, single submitter. Criteria: CeGaT Center For Human Genetics Tuebingen Variant Classification Criteria Version 2. Collection method: clinical testing. Allele origin: germline. Affected: yes. Observed: 2 variant alleles.
Comment: KCNQ2: BP4, BP7

Labcorp Genetics (formerly Invitae), Labcorp
Classification: Benign for Early-infantile DEE. Last evaluated: 2025-12-22. Review status: criteria provided, single submitter. Criteria: Invitae Variant Classification Sherloc (09022015). Collection method: clinical testing. Allele origin: germline.

Blueprint Genetics
Classification: Likely benign. Last evaluated: 2024-10-29. Review status: criteria provided, single submitter. Criteria: ACMG Guidelines, 2015. Collection method: clinical testing. Allele origin: germline.

Ambry Genetics
Classification: Benign for Inborn genetic diseases. Last evaluated: 2017-12-15. Review status: criteria provided, single submitter. Criteria: Ambry Variant Classification Scheme 2023. Collection method: clinical testing. Allele origin: germline.

GeneDx
Classification: Benign. Last evaluated: 2014-06-20. Review status: criteria provided, single submitter. Criteria: GeneDx Variant Classification (06012015). Collection method: clinical testing. Allele origin: germline. Affected: yes.
Comment: This variant is considered likely benign or benign based on one or more of the following criteria: it is a conservative change, it occurs at a poorly conserved position in the protein, it is predicted to be benign by multiple in silico algorithms, and/or has population frequency not consistent with disease.

PreventionGenetics, part of Exact Sciences
Classification: Benign for KCNQ2-related condition. Last evaluated: 2019-08-20. Review status: no assertion criteria provided. Collection method: clinical testing. Allele origin: germline. Not counted in ClinVar's aggregate classification.
Comment: This variant is classified as benign based on ACMG/AMP sequence variant interpretation guidelines (Richards et al. 2015 PMID: 25741868, with internal and published modifications).